The following is an entry in ClinVar:

NM_001101362.3(KBTBD13):c.423G>A (p.Ala141=)

Gene: KBTBD13 (kelch repeat and BTB domain containing 13; plus strand). Cytogenetic location: 15q22.31.
Variant type: single nucleotide variant.
Coding change: c.423G>A on transcript NM_001101362.3 (MANE Select); coding-DNA position 423, G replaced by A.
Protein change: p.Ala141=; no amino-acid change (alanine 141 retained).
Molecular consequence: synonymous variant.
Genome position (GRCh38, 1-based): chr15:65,077,238, G>A. VCF-style: chr15-65077238-G-A. GRCh37 (hg19) VCF-style: chr15-65369576-G-A.
Identifiers: ClinVar variation 2741352 (VCV002741352.3), dbSNP rs976194398, ClinGen allele CA271503570.

ClinVar aggregate classification (germline): Uncertain significance (1 of 4 stars; one submission).

Conditions:
Nemaline myopathy 6 (NEM6). Also called: Nemaline myopathy 6, autosomal dominant. Identifiers: Orphanet 171439, MedGen C1836472, MONDO:0012237, OMIM 609273.

Allele frequency attached by ClinVar (database versions not stated): TOPMed 0.00005; gnomAD exomes below 0.00001; gnomAD 0.00003.

Submission:

Labcorp Genetics (formerly Invitae), Labcorp
Classification: Uncertain significance for Nemaline myopathy 6. Last evaluated: 2026-01-18. Review status: criteria provided, single submitter. Criteria: Invitae Variant Classification Sherloc (09022015). Collection method: clinical testing. Allele origin: germline.
Comment: This sequence change affects codon 141 of the KBTBD13 mRNA. It is a 'silent' change, meaning that it does not change the encoded amino acid sequence of the KBTBD13 protein. The frequency data for this variant in the population databases is considered unreliable, as metrics indicate poor data quality at this position in the gnomAD database. This variant has not been reported in the literature in individuals affected with KBTBD13-related conditions. ClinVar contains an entry for this variant (Variation ID: 2741352). In summary, the available evidence is currently insufficient to determine the role of this variant in disease. Therefore, it has been classified as a Variant of Uncertain Significance.